The following is an entry in ClinVar:

NM_001378454.1(ALMS1):c.532A>G (p.Arg178Gly)

Gene: ALMS1 (ALMS1 centrosome and basal body associated protein; plus strand). Cytogenetic location: 2p13.1.
Variant type: single nucleotide variant.
Coding change: c.532A>G on transcript NM_001378454.1 (MANE Select); coding-DNA position 532, A replaced by G.
Protein change: p.Arg178Gly; replaces arginine 178 with glycine.
Molecular consequence: missense variant.
Genome position (GRCh38, 1-based): chr2:73,419,204, A>G. VCF-style: chr2-73419204-A-G. GRCh37 (hg19) VCF-style: chr2-73646332-A-G.
Other names: c.535A>G, p.Arg179Gly (NM_015120.4); short protein forms R178G, R179G.
Identifiers: ClinVar variation 1352155 (VCV001352155.3), dbSNP rs2103701456, ClinGen allele CA347259012.

ClinVar aggregate classification (germline): Uncertain significance (1 of 4 stars; one submission).

Conditions:
Alstrom syndrome (ALMS). Identifiers: Orphanet 64, MedGen C0268425, MONDO:0008763, OMIM 203800.

Allele frequency attached by ClinVar (database versions not stated): gnomAD exomes below 0.00001.
gnomAD v4.1: 2 of 1,614,024 alleles (0.00012%); highest among the groups gnomAD compares: Non-Finnish European, 0.00017%; no homozygotes.

Submission:

Labcorp Genetics (formerly Invitae), Labcorp
Classification: Uncertain significance for Alstrom syndrome. Last evaluated: 2022-06-27. Review status: criteria provided, single submitter. Criteria: Invitae Variant Classification Sherloc (09022015). Collection method: clinical testing. Allele origin: germline.
Comment: This sequence change replaces arginine, which is basic and polar, with glycine, which is neutral and non-polar, at codon 179 of the ALMS1 protein (p.Arg179Gly). This variant is not present in population databases (gnomAD no frequency). This variant has not been reported in the literature in individuals affected with ALMS1-related conditions. Experimental studies and prediction algorithms are not available or were not evaluated, and the functional significance of this variant is currently unknown. In summary, the available evidence is currently insufficient to determine the role of this variant in disease. Therefore, it has been classified as a Variant of Uncertain Significance.